The following is an entry in ClinVar:

ClinVar aggregate classification (germline): Pathogenic (1 of 4 stars; one submission).

Conditions:
Jeune thoracic dystrophy. Also called: Jeune syndrome; Short-rib thoracic dysplasia; Infantile thoracic dystrophy; Thoracic pelvic phalangeal dystrophy; Jeune's syndrome; Chondroectodermal dysplasia-like syndrome. Identifiers: Orphanet 474, MedGen C0265275, MONDO:0018770.

Submission:

Labcorp Genetics (formerly Invitae), Labcorp
Classification: Pathogenic for Jeune thoracic dystrophy. Last evaluated: 2024-02-28. Review status: criteria provided, single submitter. Criteria: Invitae Variant Classification Sherloc (09022015). Collection method: clinical testing. Allele origin: germline.
Comment: This sequence change creates a premature translational stop signal (p.Tyr2767*) in the DYNC2H1 gene. It is expected to result in an absent or disrupted protein product. Loss-of-function variants in DYNC2H1 are known to be pathogenic (PMID: 23339108, 32753734, 33755199). This variant is not present in population databases (gnomAD no frequency). This variant has not been reported in the literature in individuals affected with DYNC2H1-related conditions. For these reasons, this variant has been classified as Pathogenic.

Literature cited by the submitters: PubMed 23339108; PubMed 32753734; PubMed 33755199.

NM_001377.3(DYNC2H1):c.8301C>G (p.Tyr2767Ter)

Gene: DYNC2H1 (dynein cytoplasmic 2 heavy chain 1; plus strand). Cytogenetic location: 11q22.3.
Variant type: single nucleotide variant.
Coding change: c.8301C>G on transcript NM_001377.3 (MANE Select); coding-DNA position 8301, C replaced by G.
Protein change: p.Tyr2767Ter; replaces tyrosine 2767 with a stop codon.
Molecular consequence: nonsense.
Genome position (GRCh38, 1-based): chr11:103,203,766, C>G. VCF-style: chr11-103203766-C-G. GRCh37 (hg19) VCF-style: chr11-103074495-C-G.
Other names: c.8301C>G, p.Tyr2767Ter (NM_001080463.2); short protein forms Y2767*.
Identifiers: ClinVar variation 3631120 (VCV003631120.2).